The following is an entry in ClinVar:

ClinVar aggregate classification (germline): Benign (1 of 4 stars; one submission).

Conditions:
Giant axonal neuropathy 1 (GAN1). Also called: GAN-Related Neurodegeneration; GIANT AXONAL NEUROPATHY 1, AUTOSOMAL RECESSIVE. Identifiers: Orphanet 643, MedGen C1850386, MONDO:0009749, OMIM 256850.

Allele frequency attached by ClinVar (database versions not stated): gnomAD 0.01673 and 0.01705; TOPMed 0.01893; 1000 Genomes Project 30x 0.03029; 1000 Genomes Project 0.03175.

Submission:

Illumina Laboratory Services, Illumina
Classification: Benign for Giant axonal neuropathy 1. Last evaluated: 2018-01-12. Review status: criteria provided, single submitter. Criteria: ICSL Variant Classification Criteria 13 December 2019. Collection method: clinical testing. Allele origin: germline.
Comment: This variant was observed in the ICSL laboratory as part of a predisposition screen in an ostensibly healthy population. It had not been previously curated by ICSL or reported in the Human Gene Mutation Database (HGMD: prior to June 1st, 2018), and was therefore a candidate for classification through an automated scoring system. Utilizing variant allele frequency, disease prevalence and penetrance estimates, and inheritance mode, an automated score was calculated to assess if this variant is too frequent to cause the disease. Based on the score and internal cut-off values, a variant classified as benign is not then subjected to further curation. The score for this variant resulted in a classification of benign for this disease.

NM_022041.4(GAN):c.*1908A>C

Gene: GAN (gigaxonin; plus strand). Cytogenetic location: 16q23.2.
Variant type: single nucleotide variant.
Coding change: c.*1908A>C on transcript NM_022041.4 (MANE Select); 1908 bases downstream of the stop codon, A replaced by C.
Molecular consequence: 3 prime UTR variant.
Genome position (GRCh38, 1-based): chr16:81,379,504, A>C. VCF-style: chr16-81379504-A-C. GRCh37 (hg19) VCF-style: chr16-81413109-A-C.
Other names: c.*1908A>C (NM_001377486.1).
Identifiers: ClinVar variation 320703 (VCV000320703.5), dbSNP rs11861082, ClinGen allele CA10648132.